The following is an entry in ClinVar:

NM_001170629.1(CHD8):c.5053delG

Gene: CHD8 (chromodomain helicase DNA binding protein 8; minus strand). Cytogenetic location: 14q11.2.
Variant type: Deletion.
Coding change: c.5053delG on transcript NM_001170629.1; coding-DNA position 5053, one base deleted (G).
Genome position (GRCh38, 1-based): chr14:21,395,891, C deleted on the plus strand (G on the coding strand, the reverse complement: CHD8 is on the minus strand); the first of 3 consecutive C bases (chr14:21,395,891-21,395,893); deleting any one gives the same sequence. VCF-style (leftmost placement, unchanged base first): chr14-21395890-AC-A. GRCh37 (hg19) VCF-style: chr14-21864049-AC-A.
Identifiers: ClinVar variation 2475339 (VCV002475339.2), dbSNP rs2501867057, ClinGen allele CA2580087823.
Genomic context (GRCh38, chr14:21,395,890, plus strand): 5'-TCCTTTGGGGGACCTTGGAGTGGTTTATATTCAGGATCTTCACAATCTTTATCAAAGTCA[AC>A]CCTAAAATTATGGAGAGGCACAAGAAAATGTTAATAATGTATCTTCTATCACTAAGGGAA-3'

ClinVar aggregate classification (germline): Pathogenic (1 of 4 stars; one submission).

Conditions:
Inborn genetic diseases. Identifiers: MedGen C0950123, MeSH D030342.

Submission:

Ambry Genetics
Classification: Pathogenic for Inborn genetic diseases. Last evaluated: 2023-01-31. Review status: criteria provided, single submitter. Criteria: Ambry Variant Classification Scheme 2023. Collection method: clinical testing. Allele origin: germline.
Comment: The c.5053delG (p.V1685Lfs*29) alteration, located in coding exon 27 of the CHD8 gene, consists of a deletion of one nucleotide at position 5053, causing a translational frameshift with a predicted alternate stop codon after 29 amino acids. This alteration is expected to result in loss of function by premature protein truncation or nonsense-mediated mRNA decay. This variant was not reported in population-based cohorts in the Genome Aggregation Database (gnomAD). Based on the available evidence, this alteration is classified as pathogenic.